The following is an entry in ClinVar:

ClinVar aggregate classification (germline): Likely pathogenic (1 of 4 stars; one submission).

Conditions:
Hereditary fructosuria. Also called: ALDOB DEFICIENCY; ALDOLASE B DEFICIENCY; FRUCTOSE-1,6-BISPHOSPHATE ALDOLASE B DEFICIENCY; FRUCTOSE-1-PHOSPHATE ALDOLASE DEFICIENCY; FRUCTOSEMIA; Hereditary fructose intolerance. Identifiers: Orphanet 469, MedGen C0016751, MONDO:0009249, OMIM 229600, HP:0005973. Disease mechanism: loss of function.

Submission:

Natera, Inc.
Classification: Likely pathogenic for Fructose intolerance. Last evaluated: 2024-10-18. Review status: criteria provided, single submitter. Criteria: Natera Variant Classification Schema (03/2026). Collection method: clinical testing. Allele origin: germline.
Comment: The c.693del variant in ALDOB is a frameshift variant predicted to shift the reading frame beginning at codon 232 and leads to a stop codon 3 codons downstream. This variant is expected to result in nonsense mediated decay, truncation, or a dysfunctional protein product. This variant is rare in the general population with a frequency below the threshold expected for the associated phenotype(s). Given the available evidence, this variant is classified as Likely Pathogenic.

NM_000035.4(ALDOB):c.693del (p.Asn232fs)

Gene: ALDOB (aldolase, fructose-bisphosphate B; minus strand). Cytogenetic location: 9q31.1.
Variant type: Deletion.
Coding change: c.693del on transcript NM_000035.4 (MANE Select); coding-DNA position 693, one base deleted (C; older notation c.693delC).
Protein change: p.Asn232fs; shifts the reading frame from asparagine 232.
Molecular consequence: frameshift variant.
Genome position (GRCh38, 1-based): chr9:101,425,559, G deleted on the plus strand (C on the coding strand, the reverse complement: ALDOB is on the minus strand); the first of 3 consecutive G bases (chr9:101,425,559-101,425,561); deleting any one gives the same sequence. VCF-style (leftmost placement, unchanged base first): chr9-101425558-TG-T. GRCh37 (hg19) VCF-style: chr9-104187840-TG-T.
Other names: short protein forms N232fs.
Identifiers: ClinVar variation 4818128 (VCV004818128.1).